The following is an entry in ClinVar:

NM_016065.4(MRPS16):c.-13C>T

Genes: DNAJC9-AS1 (DNAJC9 and MRPS16 antisense RNA 1; plus strand), MRPS16 (mitochondrial ribosomal protein S16; minus strand). Cytogenetic location: 10q22.2.
Variant type: single nucleotide variant.
Coding change: c.-13C>T on transcript NM_016065.4 (MANE Select); 13 bases upstream of the start codon, C replaced by T.
Molecular consequence: 5 prime UTR variant.
Genome position (GRCh38, 1-based): chr10:73,252,495, G>A on the plus strand (C>T on the coding strand, the complement: MRPS16 is on the minus strand). VCF-style: chr10-73252495-G-A. GRCh37 (hg19) VCF-style: chr10-75012253-G-A.
Identifiers: ClinVar variation 382432 (VCV000382432.1), dbSNP rs1057521354, ClinGen allele CA16605686.

ClinVar aggregate classification (germline): Likely benign (1 of 4 stars; one submission).

Allele frequency attached by ClinVar (database versions not stated): gnomAD exomes below 0.00001; TOPMed 0.00001.

Submission:

GeneDx
Classification: Likely benign. Last evaluated: 2016-02-22. Review status: criteria provided, single submitter. Criteria: GeneDx Variant Classification (06012015). Collection method: clinical testing. Allele origin: germline. Affected: yes.
Comment: This variant is considered likely benign or benign based on one or more of the following criteria: it is a conservative change, it occurs at a poorly conserved position in the protein, it is predicted to be benign by multiple in silico algorithms, and/or has population frequency not consistent with disease.